The following is an entry in ClinVar:

NM_000081.4(LYST):c.9410C>A (p.Thr3137Asn)

Gene: LYST (lysosomal trafficking regulator; minus strand). Cytogenetic location: 1q42.3.
Variant type: single nucleotide variant.
Coding change: c.9410C>A on transcript NM_000081.4 (MANE Select); coding-DNA position 9410, C replaced by A.
Protein change: p.Thr3137Asn; replaces threonine 3137 with asparagine.
Molecular consequence: missense variant.
Genome position (GRCh38, 1-based): chr1:235,720,811, G>T on the plus strand (C>A on the coding strand, the complement: LYST is on the minus strand). VCF-style: chr1-235720811-G-T. GRCh37 (hg19) VCF-style: chr1-235884111-G-T.
Other names: p.Thr3137Asn; c.9410C>A (NM_000081.2); c.9410C>A, p.Thr3137Asn (NM_001301365.1); short protein forms T3137N.
Identifiers: ClinVar variation 1037674 (VCV001037674.5), dbSNP rs141320974, ClinGen allele CA1465594.

ClinVar aggregate classification (germline): Uncertain significance. Review status: criteria provided, multiple submitters, no conflicts (2 of 4 stars). 4 submissions from 4 submitters: Uncertain significance (4). Last evaluated 2025-08-03.

Conditions:
Chédiak-Higashi syndrome (CHS). Also called: Chediak-Higashi Syndrome. Identifiers: Orphanet 167, MedGen C0007965, MONDO:0008963, OMIM 214500.
Inborn genetic diseases. Identifiers: MedGen C0950123, MeSH D030342.

gnomAD v4.1: 22 of 1,613,942 alleles (0.0014%); highest among the groups gnomAD compares: Admixed American, 0.005%; no homozygotes.

Submissions (4):

Ambry Genetics
Classification: Uncertain significance for Inborn genetic diseases. Last evaluated: 2025-08-03. Review status: criteria provided, single submitter. Criteria: Ambry Variant Classification Scheme 2023. Collection method: clinical testing. Allele origin: germline.

Mayo Clinic Laboratories, Mayo Clinic
Classification: Uncertain significance. Last evaluated: 2024-08-05. Review status: criteria provided, single submitter. Criteria: ACMG Guidelines, 2015. Collection method: clinical testing. Allele origin: germline. Observed: 1 variant allele.
Comment: PM2

Labcorp Genetics (formerly Invitae), Labcorp
Classification: Uncertain significance for Chédiak-Higashi syndrome. Last evaluated: 2022-08-16. Review status: criteria provided, single submitter. Criteria: Invitae Variant Classification Sherloc (09022015). Collection method: clinical testing. Allele origin: germline.
Comment: This sequence change replaces threonine, which is neutral and polar, with asparagine, which is neutral and polar, at codon 3137 of the LYST protein (p.Thr3137Asn). This variant is present in population databases (rs141320974, gnomAD 0.003%). This variant has not been reported in the literature in individuals affected with LYST-related conditions. ClinVar contains an entry for this variant (Variation ID: 1037674). Algorithms developed to predict the effect of missense changes on protein structure and function (SIFT, PolyPhen-2, Align-GVGD) all suggest that this variant is likely to be tolerated. In summary, the available evidence is currently insufficient to determine the role of this variant in disease. Therefore, it has been classified as a Variant of Uncertain Significance.

Fulgent Genetics
Classification: Uncertain significance for Chédiak-Higashi syndrome. Last evaluated: 2022-01-12. Review status: criteria provided, single submitter. Criteria: ACMG Guidelines, 2015. Collection method: clinical testing. Allele origin: unknown.